The following is an entry in ClinVar:

ClinVar aggregate classification (germline): Uncertain significance. Review status: criteria provided, multiple submitters, no conflicts (2 of 4 stars). 2 submissions from 2 submitters: Uncertain significance (2). Last evaluated 2024-09-17.

Submissions (2):

GeneDx
Classification: Uncertain significance. Last evaluated: 2024-09-17. Review status: criteria provided, single submitter. Criteria: GeneDx Variant Classification Process June 2021. Collection method: clinical testing. Allele origin: germline. Affected: yes.
Comment: Not observed at significant frequency in large population cohorts (gnomAD); In silico analysis supports that this missense variant has a deleterious effect on protein structure/function; Has not been previously published as pathogenic or benign to our knowledge

Labcorp Genetics (formerly Invitae), Labcorp
Classification: Uncertain significance. Last evaluated: 2022-08-06. Review status: criteria provided, single submitter. Criteria: Invitae Variant Classification Sherloc (09022015). Collection method: clinical testing. Allele origin: germline.
Comment: In summary, the available evidence is currently insufficient to determine the role of this variant in disease. Therefore, it has been classified as a Variant of Uncertain Significance. Advanced modeling of protein sequence and biophysical properties (such as structural, functional, and spatial information, amino acid conservation, physicochemical variation, residue mobility, and thermodynamic stability) performed at Invitae indicates that this missense variant is not expected to disrupt FLNB protein function. This variant has not been reported in the literature in individuals affected with FLNB-related conditions. This variant is not present in population databases (gnomAD no frequency). This sequence change replaces threonine, which is neutral and polar, with asparagine, which is neutral and polar, at codon 2409 of the FLNB protein (p.Thr2409Asn).

NM_001457.4(FLNB):c.7226C>A (p.Thr2409Asn)

Genes: FLNB (filamin B; plus strand), FLNB-AS1 (FLNB antisense RNA 1; minus strand). Cytogenetic location: 3p14.3.
Variant type: single nucleotide variant.
Coding change: c.7226C>A on transcript NM_001457.4 (MANE Select); coding-DNA position 7226, C replaced by A.
Protein change: p.Thr2409Asn; replaces threonine 2409 with asparagine.
Molecular consequence: missense variant.
Genome position (GRCh38, 1-based): chr3:58,168,467, C>A. VCF-style: chr3-58168467-C-A. GRCh37 (hg19) VCF-style: chr3-58154194-C-A.
Other names: c.7319C>A, p.Thr2440Asn (NM_001164317.2); c.7193C>A, p.Thr2398Asn (NM_001164318.2); c.7154C>A, p.Thr2385Asn (NM_001164319.2); c.7226C>A (NM_001457.3); short protein forms T2385N, T2398N, T2409N, T2440N.
Identifiers: ClinVar variation 1715422 (VCV001715422.6), dbSNP rs2471271941, ClinGen allele CA353334654.